The following is an entry in ClinVar:

ClinVar aggregate classification (germline): Pathogenic. Review status: criteria provided, multiple submitters, no conflicts (2 of 4 stars). 2 submissions from 2 submitters: Pathogenic (2). Last evaluated 2026-02-09.

Conditions:
Fetal anomalies with a likely genetic cause.

gnomAD v4.1: 1 of 1,614,048 alleles (0.000062%); highest among the groups gnomAD compares: South Asian, 0.0011%; no homozygotes.

Submissions (2):

Genetics Laboratory, Great Ormond Street Hospital NHS Foundation Trust, North Thames Genomic Laboratory Hub
Classification: Pathogenic for Fetal anomalies with a likely genetic cause. Last evaluated: 2026-02-09. Review status: criteria provided, single submitter. Criteria: ACGS Best Practice Guidelines for Variant Classification in Rare Disease 2024 v1.2. Collection method: clinical testing. Allele origin: germline. Affected: yes.
Comment: PM2_moderate, PVS1_very-strong

Labcorp Genetics (formerly Invitae), Labcorp
Classification: Pathogenic. Last evaluated: 2025-12-19. Review status: criteria provided, single submitter. Criteria: Invitae Variant Classification Sherloc (09022015). Collection method: clinical testing. Allele origin: germline.
Comment: This sequence change creates a premature translational stop signal (p.Gln1266*) in the DNAH9 gene. It is expected to result in an absent or disrupted protein product. Loss-of-function variants in DNAH9 are known to be pathogenic (PMID: 30471718). This variant is not present in population databases (gnomAD no frequency). This variant has not been reported in the literature in individuals affected with DNAH9-related conditions. For these reasons, this variant has been classified as Pathogenic.

Literature cited by the submitters: PubMed 30471718 (cited by Labcorp Genetics (formerly Invitae), Labcorp).

NM_001372.4(DNAH9):c.3796C>T (p.Gln1266Ter)

Gene: DNAH9 (dynein axonemal heavy chain 9; plus strand). Cytogenetic location: 17p12.
Variant type: single nucleotide variant.
Coding change: c.3796C>T on transcript NM_001372.4 (MANE Select); coding-DNA position 3796, C replaced by T.
Protein change: p.Gln1266Ter; replaces glutamine 1266 with a stop codon.
Molecular consequence: nonsense.
Genome position (GRCh38, 1-based): chr17:11,689,618, C>T. VCF-style: chr17-11689618-C-T. GRCh37 (hg19) VCF-style: chr17-11592935-C-T.
Other names: short protein forms Q1266*.
Identifiers: ClinVar variation 4766630 (VCV004766630.2).